The following is an entry in ClinVar:

NM_024915.4(GRHL2):c.698T>C (p.Val233Ala)

Gene: GRHL2 (grainyhead like transcription factor 2; plus strand). Cytogenetic location: 8q22.3.
Variant type: single nucleotide variant.
Coding change: c.698T>C on transcript NM_024915.4 (MANE Select); coding-DNA position 698, T replaced by C.
Protein change: p.Val233Ala; replaces valine 233 with alanine.
Molecular consequence: missense variant.
Genome position (GRCh38, 1-based): chr8:101,570,358, T>C. VCF-style: chr8-101570358-T-C. GRCh37 (hg19) VCF-style: chr8-102582586-T-C.
Other names: c.650T>C, p.Val217Ala (NM_001330593.2, NM_001440448.1); c.698T>C, p.Val233Ala (NM_001440447.1); short protein forms V217A, V233A.
Identifiers: ClinVar variation 4690973 (VCV004690973.1).

ClinVar aggregate classification (germline): Uncertain significance (1 of 4 stars; one submission).

gnomAD v4.1: 3 of 1,614,072 alleles (0.00019%); highest among the groups gnomAD compares: Non-Finnish European, 0.00017%; no homozygotes.

Submission:

Labcorp Genetics (formerly Invitae), Labcorp
Classification: Uncertain significance. Last evaluated: 2025-10-12. Review status: criteria provided, single submitter. Criteria: Invitae Variant Classification Sherloc (09022015). Collection method: clinical testing. Allele origin: germline.
Comment: This sequence change replaces valine, which is neutral and non-polar, with alanine, which is neutral and non-polar, at codon 233 of the GRHL2 protein (p.Val233Ala). This variant is present in population databases (no rsID available, gnomAD 0.0009%). This variant has not been reported in the literature in individuals affected with GRHL2-related conditions. Invitae Evidence Modeling of protein sequence and biophysical properties (such as structural, functional, and spatial information, amino acid conservation, physicochemical variation, residue mobility, and thermodynamic stability) indicates that this missense variant is not expected to disrupt GRHL2 protein function with a negative predictive value of 80%. In summary, the available evidence is currently insufficient to determine the role of this variant in disease. Therefore, it has been classified as a Variant of Uncertain Significance.